The following is an entry in ClinVar:

NM_000135.4(FANCA):c.2450T>C (p.Leu817Pro)

Gene: FANCA (FA complementation group A; minus strand). Cytogenetic location: 16q24.3.
Variant type: single nucleotide variant.
Coding change: c.2450T>C on transcript NM_000135.4 (MANE Select); coding-DNA position 2450, T replaced by C.
Protein change: p.Leu817Pro; replaces leucine 817 with proline.
Molecular consequence: missense variant.
Genome position (GRCh38, 1-based): chr16:89,769,891, A>G on the plus strand (T>C on the coding strand, the complement: FANCA is on the minus strand). VCF-style: chr16-89769891-A-G. GRCh37 (hg19) VCF-style: chr16-89836299-A-G.
Other names: c.2450T>C, p.Leu817Pro (NM_001286167.3); short protein forms L817P.
Identifiers: ClinVar variation 974036 (VCV000974036.1), dbSNP rs1307805145, ClinGen allele CA397443331.

ClinVar aggregate classification (germline): Pathogenic (0 of 4 stars; one submission).

Conditions:
Fanconi anemia complementation group A (FANCA). Also called: Fanconi anemia, group A; FANCA-Related Fanconi Anemia. Identifiers: Orphanet 84, MedGen C3469521, MONDO:0009215, OMIM 227650.

gnomAD v4.1: 1 of 1,614,108 alleles (0.000062%); highest among the groups gnomAD compares: Non-Finnish European, 0.000085%; no homozygotes.

Submission:

Leiden Open Variation Database
Classification: Pathogenic for Fanconi anemia complementation group A. Last evaluated: 2020-02-28. Review status: no assertion criteria provided. Collection method: curation. Allele origin: germline. Affected: yes.
Comment: Curator: Arleen D. Auerbach. Submitter to LOVD: Arleen D. Auerbach.

Literature cited by the submitters: PubMed 12444097.